The following is an entry in ClinVar:

ClinVar aggregate classification (germline): Uncertain significance (1 of 4 stars; one submission).

Conditions:
EGFR-related lung cancer (EGFR). Identifiers: MedGen CN130014.

Submission:

Labcorp Genetics (formerly Invitae), Labcorp
Classification: Uncertain significance for EGFR-related lung cancer. Last evaluated: 2022-11-11. Review status: criteria provided, single submitter. Criteria: Invitae Variant Classification Sherloc (09022015). Collection method: clinical testing. Allele origin: germline.
Comment: In summary, the available evidence is currently insufficient to determine the role of this variant in disease. Therefore, it has been classified as a Variant of Uncertain Significance. Advanced modeling of protein sequence and biophysical properties (such as structural, functional, and spatial information, amino acid conservation, physicochemical variation, residue mobility, and thermodynamic stability) has been performed at Invitae for this missense variant, however the output from this modeling did not meet the statistical confidence thresholds required to predict the impact of this variant on EGFR protein function. This variant has not been reported in the literature in individuals affected with EGFR-related conditions. This variant is not present in population databases (gnomAD no frequency). This sequence change replaces proline, which is neutral and non-polar, with threonine, which is neutral and polar, at codon 265 of the EGFR protein (p.Pro265Thr).

NM_005228.5(EGFR):c.793C>A (p.Pro265Thr)

Gene: EGFR (epidermal growth factor receptor; plus strand). Cytogenetic location: 7p11.2.
Variant type: single nucleotide variant.
Coding change: c.793C>A on transcript NM_005228.5 (MANE Select); coding-DNA position 793, C replaced by A.
Protein change: p.Pro265Thr; replaces proline 265 with threonine.
Molecular consequence: missense variant. On other transcripts: intron variant (1).
Genome position (GRCh38, 1-based): chr7:55,154,056, C>A. VCF-style: chr7-55154056-C-A. GRCh37 (hg19) VCF-style: chr7-55221749-C-A.
Other names: c.658C>A, p.Pro220Thr (NM_001346897.2, NM_001346899.2); c.793C>A, p.Pro265Thr (NM_001346898.2, NM_201282.2, NM_201283.2 and 1 more transcripts); c.634C>A, p.Pro212Thr (NM_001346900.2); c.89-1774C>A (NM_001346941.2); short protein forms P220T, P212T, P265T.
Identifiers: ClinVar variation 2998576 (VCV002998576.3), dbSNP rs2128934927, ClinGen allele CA367577683.